The following is an entry in ClinVar:

ClinVar aggregate classification (germline): Uncertain significance (1 of 4 stars; one submission).

Submission:

CeGaT Center for Human Genetics Tuebingen
Classification: Uncertain significance. Last evaluated: 2025-06-01. Review status: criteria provided, single submitter. Criteria: CeGaT Center For Human Genetics Tuebingen Variant Classification Criteria Version 2. Collection method: clinical testing. Allele origin: germline. Affected: yes. Observed: 1 variant allele.
Comment: TRIOBP: PM2:Supporting, BP4

NM_001039141.3(TRIOBP):c.2222G>A (p.Arg741Gln)

Gene: TRIOBP (TRIO and F-actin binding protein; plus strand). Cytogenetic location: 22q13.1.
Variant type: single nucleotide variant.
Coding change: c.2222G>A on transcript NM_001039141.3 (MANE Select); coding-DNA position 2222, G replaced by A.
Protein change: p.Arg741Gln; replaces arginine 741 with glutamine.
Molecular consequence: missense variant.
Genome position (GRCh38, 1-based): chr22:37,724,778, G>A. VCF-style: chr22-37724778-G-A. GRCh37 (hg19) VCF-style: chr22-38120785-G-A.
Other names: short protein forms R741Q.
Identifiers: ClinVar variation 4084520 (VCV004084520.8).
Genomic context (GRCh38, chr22:37,724,778, plus strand): 5'-GAACATCCTGTGCCCGACGGGACAATCCCAGAGCCTCCTCTCGCAACAGAACCATCCAGC[G>A]AGACAACCCCAGAACATCCTGTGCCCAGCGGGACAATCCCAGAGCCTCCTCTCCTAACAG-3'
Protein context (NP_001034230.1, residues 731-751): RASSRNRTIQ[Arg741Gln]DNPRTSCAQR